The following is an entry in ClinVar:

NM_000090.4(COL3A1):c.43C>G (p.Leu15Val)

Gene: COL3A1 (collagen type III alpha 1 chain; plus strand). Cytogenetic location: 2q32.2.
Variant type: single nucleotide variant.
Coding change: c.43C>G on transcript NM_000090.4 (MANE Select); coding-DNA position 43, C replaced by G.
Protein change: p.Leu15Val; replaces leucine 15 with valine.
Molecular consequence: missense variant.
Genome position (GRCh38, 1-based): chr2:188,974,532, C>G. VCF-style: chr2-188974532-C-G. GRCh37 (hg19) VCF-style: chr2-189839258-C-G.
Other names: short protein forms L15V.
Identifiers: ClinVar variation 2884126 (VCV002884126.5), dbSNP rs1278335125, ClinGen allele CA349845427.

ClinVar aggregate classification (germline): Uncertain significance. Review status: criteria provided, multiple submitters, no conflicts (2 of 4 stars). 2 submissions from 2 submitters: Uncertain significance (2). Last evaluated 2026-02-01.

Conditions:
Ehlers-Danlos syndrome, type 4 (EDSVASC). Also called: Ehlers-Danlos syndrome vascular type; Ehlers Danlos syndrome, ecchymotic type; Ehlers Danlos syndrome, arterial type; Ehlers Danlos syndrome, Sack-Barabas type; Ehlers-Danlos Syndrome Type IV. Identifiers: Orphanet 286, MedGen C0268338, MONDO:0017314, OMIM 130050.

Allele frequency attached by ClinVar (database versions not stated): gnomAD 0.00001; TOPMed 0.00001.
gnomAD v4.1: 9 of 1,613,964 alleles (0.00056%); highest among the groups gnomAD compares: Admixed American, 0.0083%; no homozygotes.

Submissions (2):

Labcorp Genetics (formerly Invitae), Labcorp
Classification: Uncertain significance for Ehlers-Danlos syndrome, type 4. Last evaluated: 2026-02-01. Review status: criteria provided, single submitter. Criteria: Invitae Variant Classification Sherloc (09022015). Collection method: clinical testing. Allele origin: germline.
Comment: This sequence change replaces leucine, which is neutral and non-polar, with valine, which is neutral and non-polar, at codon 15 of the COL3A1 protein (p.Leu15Val). This variant is present in population databases (no rsID available, gnomAD 0.009%). This variant has not been reported in the literature in individuals affected with COL3A1-related conditions. ClinVar contains an entry for this variant (Variation ID: 2884126). Invitae Evidence Modeling of protein sequence and biophysical properties (such as structural, functional, and spatial information, amino acid conservation, physicochemical variation, residue mobility, and thermodynamic stability) indicates that this missense variant is not expected to disrupt COL3A1 protein function with a negative predictive value of 95%. In summary, the available evidence is currently insufficient to determine the role of this variant in disease. Therefore, it has been classified as a Variant of Uncertain Significance.

All of Us Research Program, National Institutes of Health
Classification: Uncertain significance for Ehlers-Danlos syndrome, type 4. Last evaluated: 2024-07-29. Review status: criteria provided, single submitter. Criteria: ACMG Guidelines, 2015. Collection method: clinical testing. Allele origin: germline. Inheritance: Autosomal dominant inheritance. Observed: 2 variant alleles, 2 heterozygotes.
Comment: This missense variant replaces leucine with valine at codon 15 of the COL3A1 protein. Computational prediction suggests that this variant may not impact protein structure and function (internally defined REVEL score threshold <= 0.5, PMID: 27666373). To our knowledge, functional studies have not been reported for this variant. This variant has not been reported in individuals affected with COL3A1-related disorders in the literature. This variant has been identified in 3/282804 chromosomes in the general population by the Genome Aggregation Database (gnomAD). The available evidence is insufficient to determine the role of this variant in disease conclusively. Therefore, this variant is classified as a Variant of Uncertain Significance.

This study involves interpretation of variants in research participants for the purpose of population health screening. Participant phenotype was not available at the time of variant classification. Additional details can be found in publication PMID: 35346344, PMCID: PMC8962531